The following is an entry in ClinVar:

ClinVar aggregate classification (germline): Uncertain significance (1 of 4 stars; one submission).

Conditions:
Hereditary cancer-predisposing syndrome. Also called: Neoplastic Syndromes, Hereditary; Tumor predisposition; Hereditary Cancer Syndrome; Hereditary neoplastic syndrome. Identifiers: Orphanet 140162, MedGen C0027672, MeSH D009386, MONDO:0015356.

Submission:

Ambry Genetics
Classification: Uncertain significance for Hereditary cancer-predisposing syndrome. Last evaluated: 2018-08-06. Review status: criteria provided, single submitter. Criteria: Ambry Variant Classification Scheme 2023. Collection method: clinical testing. Allele origin: germline.
Comment: The p.L60R variant (also known as c.179T>G), located in coding exon 3 of the POT1 gene, results from a T to G substitution at nucleotide position 179. The leucine at codon 60 is replaced by arginine, an amino acid with dissimilar properties. This amino acid position is poorly conserved in available vertebrate species. In addition, this alteration is predicted to be tolerated by in silico analysis. Since supporting evidence is limited at this time, the clinical significance of this alteration remains unclear.

NM_015450.3(POT1):c.179T>G (p.Leu60Arg)

Gene: POT1 (protection of telomeres 1; minus strand). Cytogenetic location: 7q31.33.
Variant type: single nucleotide variant.
Coding change: c.179T>G on transcript NM_015450.3 (MANE Select); coding-DNA position 179, T replaced by G.
Protein change: p.Leu60Arg; replaces leucine 60 with arginine.
Molecular consequence: missense variant. On other transcripts: non-coding transcript variant (3), intron variant (1).
Genome position (GRCh38, 1-based): chr7:124,870,987, A>C on the plus strand (T>G on the coding strand, the complement: POT1 is on the minus strand). VCF-style: chr7-124870987-A-C. GRCh37 (hg19) VCF-style: chr7-124511041-A-C.
Other names: c.-138-7347T>G (NM_001042594.2); short protein forms L60R.
Identifiers: ClinVar variation 820099 (VCV000820099.4), dbSNP rs1584777805, ClinGen allele CA369061549.